The following is an entry in ClinVar:

ClinVar aggregate classification (germline): Uncertain significance. Review status: criteria provided, multiple submitters, no conflicts (2 of 4 stars). 2 submissions from 2 submitters: Uncertain significance (2). Last evaluated 2024-12-21.

Conditions:
Inborn genetic diseases. Identifiers: MedGen C0950123, MeSH D030342.

Allele frequency attached by ClinVar (database versions not stated): 1000 Genomes Project 30x 0.00016; 1000 Genomes Project 0.00020; gnomAD 0.00003 and 0.00004; gnomAD exomes 0.00003 and 0.00011; TOPMed 0.00006; ExAC 0.00015.
gnomAD v4.1: 41 of 1,595,210 alleles (0.0026%); highest among the groups gnomAD compares: East Asian, 0.055%; no homozygotes.

Submissions (2):

Ambry Genetics
Classification: Uncertain significance for Inborn genetic diseases. Last evaluated: 2024-12-21. Review status: criteria provided, single submitter. Criteria: Ambry Variant Classification Scheme 2023. Collection method: clinical testing. Allele origin: germline.

Labcorp Genetics (formerly Invitae), Labcorp
Classification: Uncertain significance. Last evaluated: 2022-09-13. Review status: criteria provided, single submitter. Criteria: Invitae Variant Classification Sherloc (09022015). Collection method: clinical testing. Allele origin: germline.
Comment: This sequence change replaces aspartic acid, which is acidic and polar, with asparagine, which is neutral and polar, at codon 176 of the GPX4 protein (p.Asp176Asn). This variant is present in population databases (rs536194289, gnomAD 0.1%). This variant has not been reported in the literature in individuals affected with GPX4-related conditions. ClinVar contains an entry for this variant (Variation ID: 1516971). Algorithms developed to predict the effect of missense changes on protein structure and function are either unavailable or do not agree on the potential impact of this missense change (SIFT: "Tolerated"; PolyPhen-2: "Not Available"; Align-GVGD: "Class C0"). In summary, the available evidence is currently insufficient to determine the role of this variant in disease. Therefore, it has been classified as a Variant of Uncertain Significance.

NM_002085.5(GPX4):c.415G>A (p.Asp139Asn)

Gene: GPX4 (glutathione peroxidase 4; plus strand). Cytogenetic location: 19p13.3.
Variant type: single nucleotide variant.
Coding change: c.415G>A on transcript NM_002085.5 (MANE Select); coding-DNA position 415, G replaced by A.
Protein change: p.Asp139Asn; replaces aspartic acid 139 with asparagine.
Molecular consequence: missense variant.
Genome position (GRCh38, 1-based): chr19:1,105,748, G>A. VCF-style: chr19-1105748-G-A. GRCh37 (hg19) VCF-style: chr19-1105747-G-A.
Other names: c.415G>A, p.Asp139Asn (NM_001039847.3); c.526G>A, p.Asp176Asn (NM_001039848.4); c.334G>A, p.Asp112Asn (NM_001367832.1); c.526G>A (NM_001039848.1); short protein forms D176N, D139N, D112N.
Identifiers: ClinVar variation 1516971 (VCV001516971.6), dbSNP rs536194289, ClinGen allele CA9037354.
Genomic context (GRCh38, chr19:1,105,748, plus strand): 5'-TTCGCCGCGGGCTACAACGTCAAATTCGATATGTTCAGCAAGATCTGCGTGAACGGGGAC[G>A]ACGCCCACCCGCTGTGGAAGTGGATGAAGATCCAACCCAAGGGCAAGGGCATCCTGGGAA-3'
Protein context (NP_002076.2, residues 129-149): MFSKICVNGD[Asp139Asn]AHPLWKWMKI